The following is an entry in ClinVar:

ClinVar aggregate classification (germline): Uncertain significance (1 of 4 stars; one submission).

gnomAD v4.1: 1 of 1,610,944 alleles (0.000062%); no homozygotes.

Submission:

GeneDx
Classification: Uncertain significance. Last evaluated: 2025-05-05. Review status: criteria provided, single submitter. Criteria: GeneDx Variant Classification Process June 2021. Collection method: clinical testing. Allele origin: germline. Affected: yes.
Comment: Not observed at significant frequency in large population cohorts (gnomAD); In silico analysis suggests that this missense variant does not alter protein structure/function; Has not been previously published as pathogenic or benign to our knowledge

NM_015404.4(WHRN):c.2002C>T (p.His668Tyr)

Gene: WHRN (whirlin; minus strand). Cytogenetic location: 9q32.
Variant type: single nucleotide variant.
Coding change: c.2002C>T on transcript NM_015404.4 (MANE Select); coding-DNA position 2002, C replaced by T.
Protein change: p.His668Tyr; replaces histidine 668 with tyrosine.
Molecular consequence: missense variant.
Genome position (GRCh38, 1-based): chr9:114,406,589, G>A on the plus strand (C>T on the coding strand, the complement: WHRN is on the minus strand). VCF-style: chr9-114406589-G-A. GRCh37 (hg19) VCF-style: chr9-117168869-G-A.
Other names: c.853C>T, p.His285Tyr (NM_001083885.3); c.2002C>T, p.His668Tyr (NM_001173425.2); c.949C>T, p.His317Tyr (NM_001346890.1); short protein forms H285Y, H317Y, H668Y.
Identifiers: ClinVar variation 4527153 (VCV004527153.1).
Genomic context (GRCh38, chr9:114,406,589, plus strand): 5'-GCGGGGGTGACTGGACCCGTGGGAAGGGGCCGATGGGGTGTTGGTTGACCAGGGCCAGAT[G>A]GGCGTCCAGCGGCCTCTTGGAGCTGGGGTTGGCAGGGGAGACGGAGGCATAGATGGGGGA-3'
Protein context (NP_056219.3, residues 658-678): NPSSKRPLDA[His668Tyr]LALVNQHPIG